The following is an entry in ClinVar:

NM_022455.5(NSD1):c.481G>A (p.Asp161Asn)

Gene: NSD1 (nuclear receptor binding SET domain protein 1; plus strand). Cytogenetic location: 5q35.3.
Variant type: single nucleotide variant.
Coding change: c.481G>A on transcript NM_022455.5 (MANE Select); coding-DNA position 481, G replaced by A.
Protein change: p.Asp161Asn; replaces aspartic acid 161 with asparagine.
Molecular consequence: missense variant. On other transcripts: intron variant (8).
Genome position (GRCh38, 1-based): chr5:177,135,584, G>A. VCF-style: chr5-177135584-G-A. GRCh37 (hg19) VCF-style: chr5-176562585-G-A.
Other names: c.481G>A, p.Asp161Asn (NM_001409301.1, NM_001409302.1, NM_001409303.1); c.417+64G>A (NM_001409304.1); c.-36-357G>A (NM_001409305.1, NM_001409306.1, NM_001409308.1 and 4 more transcripts); short protein forms D161N.
Identifiers: ClinVar variation 3668586 (VCV003668586.2).

ClinVar aggregate classification (germline): Uncertain significance (1 of 4 stars; one submission).

Submission:

Labcorp Genetics (formerly Invitae), Labcorp
Classification: Uncertain significance. Last evaluated: 2025-06-12. Review status: criteria provided, single submitter. Criteria: Invitae Variant Classification Sherloc (09022015). Collection method: clinical testing. Allele origin: germline.
Comment: This sequence change replaces aspartic acid, which is acidic and polar, with asparagine, which is neutral and polar, at codon 161 of the NSD1 protein (p.Asp161Asn). This variant is not present in population databases (gnomAD no frequency). This variant has not been reported in the literature in individuals affected with NSD1-related conditions. ClinVar contains an entry for this variant (Variation ID: 3668586). Invitae Evidence Modeling of protein sequence and biophysical properties (such as structural, functional, and spatial information, amino acid conservation, physicochemical variation, residue mobility, and thermodynamic stability) indicates that this missense variant is not expected to disrupt NSD1 protein function with a negative predictive value of 95%. In summary, the available evidence is currently insufficient to determine the role of this variant in disease. Therefore, it has been classified as a Variant of Uncertain Significance.